The following is an entry in ClinVar:

ClinVar aggregate classification (germline): Uncertain significance. Review status: criteria provided, multiple submitters, no conflicts (2 of 4 stars). 2 submissions from 2 submitters: Uncertain significance (2). Last evaluated 2025-05-15.

Conditions:
Parkinson disease 17 (PARK17). Also called: VPS35-Related Parkinson Disease. Identifiers: Orphanet 411602, MedGen C3280133, MONDO:0013625, OMIM 614203.

Allele frequency attached by ClinVar (database versions not stated): gnomAD 0.00001; TOPMed 0.00001; ExAC 0.00002; gnomAD exomes 0.00002.
gnomAD v4.1: 28 of 1,613,684 alleles (0.0017%); highest among the groups gnomAD compares: Non-Finnish European, 0.0023%; no homozygotes.

Submissions (2):

Labcorp Genetics (formerly Invitae), Labcorp
Classification: Uncertain significance for Parkinson disease 17. Last evaluated: 2025-05-15. Review status: criteria provided, single submitter. Criteria: Invitae Variant Classification Sherloc (09022015). Collection method: clinical testing. Allele origin: germline.
Comment: This sequence change replaces cysteine, which is neutral and slightly polar, with tyrosine, which is neutral and polar, at codon 438 of the VPS35 protein (p.Cys438Tyr). This variant is present in population databases (rs745893720, gnomAD 0.004%). This variant has not been reported in the literature in individuals affected with VPS35-related conditions. ClinVar contains an entry for this variant (Variation ID: 571710). Invitae Evidence Modeling of protein sequence and biophysical properties (such as structural, functional, and spatial information, amino acid conservation, physicochemical variation, residue mobility, and thermodynamic stability) indicates that this missense variant is not expected to disrupt VPS35 protein function with a negative predictive value of 80%. In summary, the available evidence is currently insufficient to determine the role of this variant in disease. Therefore, it has been classified as a Variant of Uncertain Significance.

Fulgent Genetics
Classification: Uncertain significance for Parkinson disease 17. Last evaluated: 2021-10-13. Review status: criteria provided, single submitter. Criteria: ACMG Guidelines, 2015. Collection method: clinical testing. Allele origin: unknown.

NM_018206.6(VPS35):c.1313G>A (p.Cys438Tyr)

Gene: VPS35 (VPS35 retromer complex component; minus strand). Cytogenetic location: 16q11.2.
Variant type: single nucleotide variant.
Coding change: c.1313G>A on transcript NM_018206.6 (MANE Select); coding-DNA position 1313, G replaced by A.
Protein change: p.Cys438Tyr; replaces cysteine 438 with tyrosine.
Molecular consequence: missense variant.
Genome position (GRCh38, 1-based): chr16:46,672,320, C>T on the plus strand (G>A on the coding strand, the complement: VPS35 is on the minus strand). VCF-style: chr16-46672320-C-T. GRCh37 (hg19) VCF-style: chr16-46706232-C-T.
Other names: short protein forms C438Y.
Identifiers: ClinVar variation 571710 (VCV000571710.9), dbSNP rs745893720, ClinGen allele CA8036852.
Genomic context (GRCh38, chr16:46,672,320, plus strand): 5'-CTTACCTGGTCTTGAGAGACAATTTCTGTGTTATAATCCAGAACATTACTAAGCACATAA[C>T]AACTCATGCTCTTTCTGGACTCGTAGTCAAAGTACTCAAAGAGTGGGTGAAAATGTTTTA-3'
Protein context (NP_060676.2, residues 428-448): FDYESRKSMS[Cys438Tyr]YVLSNVLDYN